The following is an entry in ClinVar:

ClinVar aggregate classification (germline): Benign/Likely benign. Review status: criteria provided, multiple submitters, no conflicts (2 of 4 stars). 7 submissions from 7 submitters: Benign (1); Likely benign (3). 3 of the submissions do not count toward it. Last evaluated 2026-01-12.

Conditions:
Left ventricular noncompaction 8 (LVNC8). Identifiers: Orphanet 154, Orphanet 54260, MedGen C3809288, MONDO:0014152, OMIM 615373.

Submissions (7):

Labcorp Genetics (formerly Invitae), Labcorp
Classification: Likely benign for Left ventricular noncompaction 8. Last evaluated: 2026-01-12. Review status: criteria provided, single submitter. Criteria: Invitae Variant Classification Sherloc (09022015). Collection method: clinical testing. Allele origin: germline.

Women's Health and Genetics/Laboratory Corporation of America, LabCorp
Classification: Benign. Last evaluated: 2026-01-10. Review status: criteria provided, single submitter. Criteria: LabCorp Variant Classification Summary - May 2015. Collection method: clinical testing. Allele origin: germline.

Blueprint Genetics
Classification: Likely benign. Last evaluated: 2024-11-22. Review status: criteria provided, single submitter. Criteria: ACMG Guidelines, 2015. Collection method: clinical testing. Allele origin: germline.

GeneDx
Classification: Likely benign. Last evaluated: 2017-11-28. Review status: criteria provided, single submitter. Criteria: GeneDx Variant Classification (06012015). Collection method: clinical testing. Allele origin: germline. Affected: yes.
Comment: This variant is considered likely benign or benign based on one or more of the following criteria: it is a conservative change, it occurs at a poorly conserved position in the protein, it is predicted to be benign by multiple in silico algorithms, and/or has population frequency not consistent with disease.

Clinical Genetics DNA and cytogenetics Diagnostics Lab, Erasmus MC, Erasmus Medical Center
Classification: Likely benign. Review status: no assertion criteria provided. Collection method: clinical testing. Allele origin: germline. Affected: yes. Study: VKGL Data-share Consensus. Not counted in ClinVar's aggregate classification.

Clinical Genetics, Academic Medical Center
Classification: Benign. Review status: no assertion criteria provided. Collection method: clinical testing. Allele origin: germline. Affected: yes. Study: VKGL Data-share Consensus. Not counted in ClinVar's aggregate classification.

Joint Genome Diagnostic Labs from Nijmegen and Maastricht, Radboudumc and MUMC+
Classification: Benign. Review status: no assertion criteria provided. Collection method: clinical testing. Allele origin: germline. Affected: yes. Study: VKGL Data-share Consensus. Not counted in ClinVar's aggregate classification.

NM_022114.4(PRDM16):c.574-20_574-17del

Gene: PRDM16 (PR/SET domain 16; plus strand). Cytogenetic location: 1p36.32.
Variant type: Microsatellite.
Coding change: c.574-20_574-17del on transcript NM_022114.4 (MANE Select); 20 bases into the intron before coding-DNA position 574 through 17 bases into the intron before coding-DNA position 574, 4 bases deleted (CTCT; older notation c.574-20_574-17delCTCT).
Molecular consequence: intron variant.
Genome position (GRCh38, 1-based): chr1:3,396,471-3,396,474, CTCT deleted; deleting any 4 consecutive bases within chr1:3,396,468-3,396,474 gives the same sequence; the c. name uses the placement nearest the transcript's 3' end. VCF-style (leftmost placement, unchanged base first): chr1-3396467-TTCTC-T. GRCh37 (hg19) VCF-style: chr1-3313031-TTCTC-T.
Other names: c.574-20_574-17del (NM_199454.3); c.574-20_574-17delCTCT (NM_022114.4, NM_022114.3).
Identifiers: ClinVar variation 422807 (VCV000422807.15), dbSNP rs565661633, ClinGen allele CA543884.